The following is an entry in ClinVar:

NM_001148.6(ANK2):c.8062C>G (p.Arg2688Gly)

Gene: ANK2 (ankyrin 2; plus strand). Cytogenetic location: 4q26.
Variant type: single nucleotide variant.
Coding change: c.8062C>G on transcript NM_001148.6 (MANE Select); coding-DNA position 8062, C replaced by G.
Protein change: p.Arg2688Gly; replaces arginine 2688 with glycine.
Molecular consequence: missense variant. On other transcripts: intron variant (68).
Genome position (GRCh38, 1-based): chr4:113,356,680, C>G. VCF-style: chr4-113356680-C-G. GRCh37 (hg19) VCF-style: chr4-114277836-C-G.
Other names: c.7828C>G, p.Arg2610Gly (NM_001386142.1); c.4462C>G, p.Arg1488Gly (NM_001386166.1); c.8203C>G, p.Arg2735Gly (NM_001386174.1); c.8179C>G, p.Arg2727Gly (NM_001386175.1); c.4412-4143C>G (NM_001386186.2, NM_001386148.2); c.4214-4143C>G (NM_001354269.3); c.4292-4143C>G (NM_001386187.2); c.4253-4143C>G (NM_001386147.1); and 35 more; short protein forms R1488G, R2727G, R2610G, R2688G, R2735G.
Identifiers: ClinVar variation 4826624 (VCV004826624.2).

ClinVar aggregate classification (germline): Uncertain significance. Review status: criteria provided, multiple submitters, no conflicts (2 of 4 stars). 2 submissions from 2 submitters: Uncertain significance (2). Last evaluated 2026-03-07.

Conditions:
Cardiovascular phenotype. Identifiers: MedGen CN230736.

gnomAD v4.1: 2 of 1,614,072 alleles (0.00012%); highest among the groups gnomAD compares: South Asian, 0.0011%; no homozygotes.

Submissions (2):

Ambry Genetics
Classification: Uncertain significance for Cardiovascular phenotype. Last evaluated: 2026-03-07. Review status: criteria provided, single submitter. Criteria: Ambry Variant Classification Scheme 2023. Collection method: clinical testing. Allele origin: germline.
Comment: The p.R2688G variant (also known as c.8062C>G), located in coding exon 38 of the ANK2 gene, results from a C to G substitution at nucleotide position 8062. The arginine at codon 2688 is replaced by glycine, an amino acid with dissimilar properties. This amino acid position is conserved. In addition, the in silico prediction for this alteration is inconclusive. Based on the available evidence, the clinical significance of this variant remains unclear.

Blueprint Genetics
Classification: Uncertain significance. Last evaluated: 2024-05-03. Review status: criteria provided, single submitter. Criteria: ACMG Guidelines, 2015. Collection method: clinical testing. Allele origin: germline.